The following is an entry in ClinVar:

NM_000384.3(APOB):c.2107G>C (p.Ala703Pro)

Gene: APOB (apolipoprotein B; minus strand). Cytogenetic location: 2p24.1.
Variant type: single nucleotide variant.
Coding change: c.2107G>C on transcript NM_000384.3 (MANE Select); coding-DNA position 2107, G replaced by C.
Protein change: p.Ala703Pro; replaces alanine 703 with proline.
Molecular consequence: missense variant.
Genome position (GRCh38, 1-based): chr2:21,026,925, C>G on the plus strand (G>C on the coding strand, the complement: APOB is on the minus strand). VCF-style: chr2-21026925-C-G. GRCh37 (hg19) VCF-style: chr2-21249797-C-G.
Other names: short protein forms A703P.
Identifiers: ClinVar variation 3231383 (VCV003231383.1), dbSNP rs997125280, ClinGen allele CA43522839.
Genomic context (GRCh38, chr2:21,026,925, plus strand): 5'-TAACCCAGTACAAAGCTTTGTTGACACTGTCTGGGAAAAATCCTTGCTTCCCAAAAAGAG[C>G]TTCCAATGTTGGCTCAAAGCCTTTTCCTTCCAAGCCAATCTGAGAAAGAAAATCAGACAA-3'
Protein context (NP_000375.3, residues 693-713): EGKGFEPTLE[Ala703Pro]LFGKQGFFPD

ClinVar aggregate classification (germline): Uncertain significance (1 of 4 stars; one submission).

Conditions:
Cardiovascular phenotype. Identifiers: MedGen CN230736.

Allele frequency attached by ClinVar (database versions not stated): gnomAD exomes below 0.00001.
gnomAD v4.1: 1 of 1,614,202 alleles (0.000062%); highest among the groups gnomAD compares: Non-Finnish European, 0.000085%; no homozygotes.

Submission:

Ambry Genetics
Classification: Uncertain significance for Cardiovascular phenotype. Last evaluated: 2024-02-06. Review status: criteria provided, single submitter. Criteria: Ambry Variant Classification Scheme 2023. Collection method: clinical testing. Allele origin: germline.
Comment: The p.A703P variant (also known as c.2107G>C), located in coding exon 15 of the APOB gene, results from a G to C substitution at nucleotide position 2107. The alanine at codon 703 is replaced by proline, an amino acid with highly similar properties. This amino acid position is conserved. In addition, the in silico prediction for this alteration is inconclusive. Based on the available evidence, the clinical significance of this alteration remains unclear.